The following is an entry in ClinVar:

ClinVar aggregate classification (germline): Benign. Review status: criteria provided, multiple submitters, no conflicts (2 of 4 stars). 2 submissions from 2 submitters: Benign (2). Last evaluated 2018-06-14.

Allele frequency attached by ClinVar (database versions not stated): 1000 Genomes Project 30x 0.02139; gnomAD 0.04657 and 0.04768.

Submissions (2):

GeneDx
Classification: Benign. Last evaluated: 2018-06-14. Review status: criteria provided, single submitter. Criteria: GeneDx Variant Classification (06012015). Collection method: clinical testing. Allele origin: germline. Affected: yes.
Comment: This variant is considered likely benign or benign based on one or more of the following criteria: it is a conservative change, it occurs at a poorly conserved position in the protein, it is predicted to be benign by multiple in silico algorithms, and/or has population frequency not consistent with disease.

Breakthrough Genomics
Classification: Benign. Review status: criteria provided, single submitter. Criteria: ACMG Guidelines, 2015. Collection method: not provided. Allele origin: germline. Inheritance: Autosomal recessive inheritance. Affected: yes.

NM_030777.4(SLC2A10):c.1411+176G>C

Gene: SLC2A10 (solute carrier family 2 member 10; plus strand). Cytogenetic location: 20q13.12.
Variant type: single nucleotide variant.
Coding change: c.1411+176G>C on transcript NM_030777.4 (MANE Select); 176 bases into the intron after coding-DNA position 1411, G replaced by C.
Molecular consequence: intron variant.
Genome position (GRCh38, 1-based): chr20:46,727,162, G>C. VCF-style: chr20-46727162-G-C. GRCh37 (hg19) VCF-style: chr20-45355801-G-C.
Identifiers: ClinVar variation 674270 (VCV000674270.2), dbSNP rs775643873, ClinGen allele CA315757271.